The following is an entry in ClinVar:

NM_031885.5(BBS2):c.1193C>G (p.Ala398Gly)

Gene: BBS2 (Bardet-Biedl syndrome 2; minus strand). Cytogenetic location: 16q13.
Variant type: single nucleotide variant.
Coding change: c.1193C>G on transcript NM_031885.5 (MANE Select); coding-DNA position 1193, C replaced by G.
Protein change: p.Ala398Gly; replaces alanine 398 with glycine.
Molecular consequence: missense variant. On other transcripts: non-coding transcript variant (5).
Genome position (GRCh38, 1-based): chr16:56,501,385, G>C on the plus strand (C>G on the coding strand, the complement: BBS2 is on the minus strand). VCF-style: chr16-56501385-G-C. GRCh37 (hg19) VCF-style: chr16-56535297-G-C.
Other names: c.1193C>G, p.Ala398Gly (NM_001377456.1); short protein forms A398G.
Identifiers: ClinVar variation 2096870 (VCV002096870.4), dbSNP rs1964268173, ClinGen allele CA395979890.

ClinVar aggregate classification (germline): Uncertain significance (1 of 4 stars; one submission).

Conditions:
Bardet-Biedl syndrome (BBS). Identifiers: Orphanet 110, MedGen C0752166, MONDO:0015229.

Allele frequency attached by ClinVar (database versions not stated): TOPMed below 0.00001; gnomAD 0.00001.
gnomAD v4.1: 1 of 1,613,976 alleles (0.000062%); highest among the groups gnomAD compares: Admixed American, 0.0017%; no homozygotes.

Submission:

Labcorp Genetics (formerly Invitae), Labcorp
Classification: Uncertain significance for Bardet-Biedl syndrome. Last evaluated: 2023-05-08. Review status: criteria provided, single submitter. Criteria: Invitae Variant Classification Sherloc (09022015). Collection method: clinical testing. Allele origin: germline.
Comment: This sequence change replaces alanine, which is neutral and non-polar, with glycine, which is neutral and non-polar, at codon 398 of the BBS2 protein (p.Ala398Gly). This variant is not present in population databases (gnomAD no frequency). This variant has not been reported in the literature in individuals affected with BBS2-related conditions. ClinVar contains an entry for this variant (Variation ID: 2096870). Advanced modeling of protein sequence and biophysical properties (such as structural, functional, and spatial information, amino acid conservation, physicochemical variation, residue mobility, and thermodynamic stability) performed at Invitae indicates that this missense variant is not expected to disrupt BBS2 protein function. In summary, the available evidence is currently insufficient to determine the role of this variant in disease. Therefore, it has been classified as a Variant of Uncertain Significance.